The following is an entry in ClinVar:

NM_001370259.2(MEN1):c.416del (p.His139fs)

Gene: MEN1 (menin 1; minus strand). Cytogenetic location: 11q13.1.
Variant type: Deletion.
Coding change: c.416del on transcript NM_001370259.2 (MANE Select); coding-DNA position 416, one base deleted (A; older notation c.416delA).
Protein change: p.His139fs; shifts the reading frame from histidine 139.
Molecular consequence: frameshift variant.
Genome position (GRCh38, 1-based): chr11:64,809,694, T deleted on the plus strand (A on the coding strand, the reverse complement: MEN1 is on the minus strand). VCF-style (leftmost placement, unchanged base first): chr11-64809693-GT-G. GRCh37 (hg19) VCF-style: chr11-64577165-GT-G.
Other names: c.416del, p.His139fs (NM_000244.4, NM_001370251.2, NM_001370260.2 and 9 more transcripts); c.416delA, p.His139Profs (NM_001407142.1, NM_001407143.1, NM_001407144.1 and 8 more transcripts); short protein forms H139fs.
Identifiers: ClinVar variation 2008792 (VCV002008792.5), dbSNP rs2497257786, ClinGen allele CA2580084404.

ClinVar aggregate classification (germline): Pathogenic. Review status: criteria provided, multiple submitters, no conflicts (2 of 4 stars). 2 submissions from 2 submitters: Pathogenic (2). Last evaluated 2024-03-05.

Conditions:
Multiple endocrine neoplasia, type 1 (MEN1). Also called: Endocrine adenomatosis multiple; MEN 1; MEA I; MEN I; WERMER SYNDROME. Identifiers: Orphanet 652, MedGen C0025267, MeSH D018761, MONDO:0007540, OMIM 131100.

Submissions (2):

Myriad Genetics, Inc.
Classification: Pathogenic for Multiple endocrine neoplasia, type 1. Last evaluated: 2024-03-05. Review status: criteria provided, single submitter. Criteria: Myriad Autosomal Dominant, Autosomal Recessive and X-Linked Classification Criteria (2023). Collection method: clinical testing. Allele origin: unknown.
Comment: This variant is considered pathogenic. This variant creates a frameshift predicted to result in premature protein truncation.

Labcorp Genetics (formerly Invitae), Labcorp
Classification: Pathogenic for Multiple endocrine neoplasia, type 1. Last evaluated: 2023-02-20. Review status: criteria provided, single submitter. Criteria: Invitae Variant Classification Sherloc (09022015). Collection method: clinical testing. Allele origin: germline.
Comment: This sequence change creates a premature translational stop signal (p.His139Profs*46) in the MEN1 gene. It is expected to result in an absent or disrupted protein product. Loss-of-function variants in MEN1 are known to be pathogenic (PMID: 12112656, 17853334). This variant is not present in population databases (gnomAD no frequency). This variant has not been reported in the literature in individuals affected with MEN1-related conditions. For these reasons, this variant has been classified as Pathogenic.

Literature cited by the submitters: PubMed 12112656 (cited by Labcorp Genetics (formerly Invitae), Labcorp); PubMed 17853334 (cited by Labcorp Genetics (formerly Invitae), Labcorp).